The following is an entry in ClinVar:

ClinVar aggregate classification (germline): Conflicting classifications of pathogenicity. Review status: criteria provided, conflicting classifications (1 of 4 stars). 4 submissions from 4 submitters: Uncertain significance (3); Benign (1). Last evaluated 2025-10-22.

Conditions:
Hereditary pancreatitis (PCTT). Also called: PRSS1-Related Hereditary Pancreatitis; Hereditary chronic pancreatitis. Identifiers: Orphanet 676, MedGen C0238339, MONDO:0008185, OMIM 167800.

Allele frequency attached by ClinVar (database versions not stated): 1000 Genomes Project 30x 0.01327.

Submissions (4):

Ambry Genetics
Classification: Uncertain significance for Hereditary pancreatitis. Last evaluated: 2025-10-22. Review status: criteria provided, single submitter. Criteria: Ambry Variant Classification Scheme 2023. Collection method: clinical testing. Allele origin: germline.
Comment: The p.R68H variant (also known as c.203G>A), located in coding exon 3 of the PRSS1 gene, results from a G to A substitution at nucleotide position 203. The arginine at codon 68 is replaced by histidine, an amino acid with highly similar properties. This amino acid position is conserved. In addition, the in silico prediction for this alteration is inconclusive. Since supporting evidence is limited at this time, the clinical significance of this alteration remains unclear.

Labcorp Genetics (formerly Invitae), Labcorp
Classification: Uncertain significance for Hereditary pancreatitis. Last evaluated: 2025-08-29. Review status: criteria provided, single submitter. Criteria: Invitae Variant Classification Sherloc (09022015). Collection method: clinical testing. Allele origin: germline.
Comment: This sequence change replaces arginine, which is basic and polar, with histidine, which is basic and polar, at codon 68 of the PRSS1 protein (p.Arg68His). The frequency data for this variant in the population databases is considered unreliable, as metrics indicate poor data quality at this position in the gnomAD database. This variant has not been reported in the literature in individuals affected with PRSS1-related conditions. ClinVar contains an entry for this variant (Variation ID: 836237). An algorithm developed to predict the effect of missense changes on protein structure and function outputs the following: PolyPhen-2: "Benign". The histidine amino acid residue is found in multiple mammalian species, which suggests that this missense change does not adversely affect protein function. In summary, the available evidence is currently insufficient to determine the role of this variant in disease. Therefore, it has been classified as a Variant of Uncertain Significance.

Laboratory of Genetics, Children's Clinical University Hospital Latvia
Classification: Benign. Last evaluated: 2025-02-16. Review status: criteria provided, single submitter. Criteria: ACMG Guidelines, 2015. Collection method: clinical testing. Allele origin: germline. Affected: yes.

ARUP Laboratories, Molecular Genetics and Genomics, ARUP Laboratories
Classification: Uncertain significance for Hereditary pancreatitis. Last evaluated: 2024-06-06. Review status: criteria provided, single submitter. Criteria: ARUP Molecular Germline Variant Investigation Process 2024. Collection method: clinical testing. Allele origin: germline.
Comment: The PRSS1 c.203G>A; p.Arg68His variant (rs757111793), to our knowledge, is not reported in the medical literature but is reported in ClinVar (Variation ID: 836237). This variant is found in the non-Finnish European population with an allele frequency of 0.005% (7/129,194 alleles) in the Genome Aggregation Database (v2.1.1). Computational analyses are uncertain whether this variant is neutral or deleterious (REVEL: 0.454). Due to limited information, the clinical significance of this variant is uncertain at this time.

NM_002769.5(PRSS1):c.203G>A (p.Arg68His)

Genes: PRSS1 (serine protease 1; plus strand), TRB (T cell receptor beta locus; plus strand). Cytogenetic location: 7q34.
Variant type: single nucleotide variant.
Coding change: c.203G>A on transcript NM_002769.5 (MANE Select); coding-DNA position 203, G replaced by A.
Protein change: p.Arg68His; replaces arginine 68 with histidine.
Molecular consequence: missense variant.
Genome position (GRCh38, 1-based): chr7:142,751,776, G>A. VCF-style: chr7-142751776-G-A. GRCh37 (hg19) VCF-style: chr7-142459627-G-A.
Other names: short protein forms R68H.
Identifiers: ClinVar variation 836237 (VCV000836237.16), dbSNP rs757111793, ClinGen allele CA4529878.
Genomic context (GRCh38, chr7:142,751,776, plus strand): 5'-TGGGATAGGTGCCCTGGCTGTGGGAGAAGGTCTTCACCATGCCTGCCCTGCCCATCAGCC[G>A]CATCCAGGTGAGACTGGGAGAGCACAACATCGAAGTCCTGGAGGGGAATGAGCAGTTCAT-3'
Protein context (NP_002760.1, residues 58-78): VVSAGHCYKS[Arg68His]IQVRLGEHNI